The following is an entry in ClinVar:

NM_001346754.2(PIGW):c.313G>A (p.Ala105Thr)

Genes: MYO19 (myosin XIX; minus strand), PIGW (phosphatidylinositol glycan anchor biosynthesis class W; plus strand). Cytogenetic location: 17q12.
Variant type: single nucleotide variant.
Coding change: c.313G>A on transcript NM_001346754.2 (MANE Select); coding-DNA position 313, G replaced by A.
Protein change: p.Ala105Thr; replaces alanine 105 with threonine.
Molecular consequence: missense variant.
Genome position (GRCh38, 1-based): chr17:36,537,414, G>A. VCF-style: chr17-36537414-G-A. GRCh37 (hg19) VCF-style: chr17-34893263-G-A.
Other names: c.313G>A, p.Ala105Thr (NM_001346755.2, NM_178517.5); short protein forms A105T.
Identifiers: ClinVar variation 1512281 (VCV001512281.5), dbSNP rs752927440, ClinGen allele CA290115854.

ClinVar aggregate classification (germline): Uncertain significance (1 of 4 stars; one submission).

Conditions:
Hyperphosphatasia with intellectual disability syndrome 5 (GPIBD11). Also called: GLYCOSYLPHOSPHATIDYLINOSITOL BIOSYNTHESIS DEFECT 11. Identifiers: Orphanet 247262, MedGen C4014958, MONDO:0014457, OMIM 616025.

Allele frequency attached by ClinVar (database versions not stated): TOPMed below 0.00001; gnomAD 0.00001.
gnomAD v4.1: 9 of 1,613,952 alleles (0.00056%); highest among the groups gnomAD compares: Non-Finnish European, 0.00076%; no homozygotes.

Submission:

Labcorp Genetics (formerly Invitae), Labcorp
Classification: Uncertain significance for Hyperphosphatasia with intellectual disability syndrome 5. Last evaluated: 2024-10-15. Review status: criteria provided, single submitter. Criteria: Invitae Variant Classification Sherloc (09022015). Collection method: clinical testing. Allele origin: germline.
Comment: This sequence change replaces alanine, which is neutral and non-polar, with threonine, which is neutral and polar, at codon 105 of the PIGW protein (p.Ala105Thr). This variant is not present in population databases (gnomAD no frequency). This variant has not been reported in the literature in individuals affected with PIGW-related conditions. ClinVar contains an entry for this variant (Variation ID: 1512281). Invitae Evidence Modeling of protein sequence and biophysical properties (such as structural, functional, and spatial information, amino acid conservation, physicochemical variation, residue mobility, and thermodynamic stability) indicates that this missense variant is not expected to disrupt PIGW protein function with a negative predictive value of 80%. In summary, the available evidence is currently insufficient to determine the role of this variant in disease. Therefore, it has been classified as a Variant of Uncertain Significance.